The following is an entry in ClinVar:

NM_002691.4(POLD1):c.2564+6T>C

Gene: POLD1 (DNA polymerase delta 1, catalytic subunit; plus strand). Cytogenetic location: 19q13.33.
Variant type: single nucleotide variant.
Coding change: c.2564+6T>C on transcript NM_002691.4 (MANE Select); 6 bases into the intron after coding-DNA position 2564, T replaced by C.
Molecular consequence: intron variant.
Genome position (GRCh38, 1-based): chr19:50,414,996, T>C. VCF-style: chr19-50414996-T-C. GRCh37 (hg19) VCF-style: chr19-50918253-T-C.
Other names: c.2564+6T>C (NM_001256849.1); c.2642+6T>C (NM_001308632.1).
Identifiers: ClinVar variation 2418620 (VCV002418620.6), dbSNP rs563465443, ClinGen allele CA9596562.

ClinVar aggregate classification (germline): Uncertain significance (1 of 4 stars; one submission).

Conditions:
POLD1-related polyposis and colorectal cancer syndrome (CRCS10). Also called: COLORECTAL CANCER, SUSCEPTIBILITY TO, ON CHROMOSOME 19q; Colorectal cancer 10; Colorectal cancer, susceptibility to, 10. Identifiers: Orphanet 220460, MedGen C2675481, MONDO:0012953, OMIM 612591.

Allele frequency attached by ClinVar (database versions not stated): gnomAD exomes below 0.00001; gnomAD 0.00001; ExAC 0.00002; 1000 Genomes Project 30x 0.00016; 1000 Genomes Project 0.00020.
gnomAD v4.1: 3 of 1,558,312 alleles (0.00019%); highest among the groups gnomAD compares: Admixed American, 0.0019%; no homozygotes.

Submission:

Labcorp Genetics (formerly Invitae), Labcorp
Classification: Uncertain significance for POLD1-related polyposis and colorectal cancer syndrome. Last evaluated: 2025-12-14. Review status: criteria provided, single submitter. Criteria: Invitae Variant Classification Sherloc (09022015). Collection method: clinical testing. Allele origin: germline.
Comment: This sequence change falls in intron 20 of the POLD1 gene. It does not directly change the encoded amino acid sequence of the POLD1 protein. It affects a nucleotide within the consensus splice site. The frequency data for this variant in the population databases is considered unreliable, as metrics indicate poor data quality at this position in the gnomAD database. This variant has not been reported in the literature in individuals affected with POLD1-related conditions. ClinVar contains an entry for this variant (Variation ID: 2418620). Variants that disrupt the consensus splice site are a relatively common cause of aberrant splicing (PMID: 17576681, 9536098). Algorithms developed to predict the effect of sequence changes on RNA splicing suggest that this variant may create or strengthen a splice site. In summary, the available evidence is currently insufficient to determine the role of this variant in disease. Therefore, it has been classified as a Variant of Uncertain Significance.

Literature cited by the submitters: PubMed 17576681; PubMed 9536098.